The following is an entry in ClinVar:

ClinVar aggregate classification (germline): Pathogenic (1 of 4 stars; one submission).

Conditions:
Deficiency of steroid 11-beta-monooxygenase (CYP11B1). Also called: ADRENAL HYPERPLASIA, CONGENITAL, DUE TO STEROID 11-BETA-HYDROXYLASE DEFICIENCY; 11-BETA-HYDROXYLASE DEFICIENCY; ADRENAL HYPERPLASIA IV; P450C11B1 DEFICIENCY; STEROID 11-BETA-HYDROXYLASE DEFICIENCY; Congenital adrenal hyperplasia due to 11-beta-hydroxylase deficiency. Identifiers: Orphanet 90795, MedGen C0268292, MONDO:0008729, OMIM 202010. Disease mechanism: loss of function.

Submission:

Myriad Genetics, Inc.
Classification: Pathogenic for Deficiency of steroid 11-beta-monooxygenase. Last evaluated: 2023-08-09. Review status: criteria provided, single submitter. Criteria: Myriad Autosomal Dominant, Autosomal Recessive and X-Linked Classification Criteria (2023). Collection method: clinical testing. Allele origin: unknown.
Comment: NM_000497.3(CYP11B1):c.516_517delGA(K173Efs*85) is expected to be pathogenic in the context of congenital adrenal hyperplasia, CYP11B1-related. This variant is predicted to lead to an abnormal or absent protein product due to the creation of a premature termination codon in CYP11B1, a gene where loss-of-function variants are known to be pathogenic. Please note: this variant was assessed in the context of healthy population screening.

NM_000497.4(CYP11B1):c.516_517del (p.Lys173fs)

Genes: CYP11B1 (cytochrome P450 family 11 subfamily B member 1; minus strand), LOC106799833 (CYP11B1 recombination region; plus strand). Cytogenetic location: 8q24.3.
Variant type: Deletion.
Coding change: c.516_517del on transcript NM_000497.4 (MANE Select); coding-DNA positions 516 to 517, 2 bases deleted (GA; older notation c.516_517delGA).
Protein change: p.Lys173fs; shifts the reading frame from lysine 173.
Molecular consequence: frameshift variant.
Genome position (GRCh38, 1-based): chr8:142,877,101-142,877,102, TC deleted on the plus strand (GA on the coding strand, the reverse complement: CYP11B1 is on the minus strand). VCF-style (leftmost placement, unchanged base first): chr8-142877100-TTC-T. GRCh37 (hg19) VCF-style: chr8-143958516-TTC-T.
Other names: c.516_517del, p.Lys173fs (NM_001026213.1); short protein forms K173fs.
Identifiers: ClinVar variation 5011299 (VCV005011299.1).